The following is an entry in ClinVar:

NM_000466.3(PEX1):c.1742G>A (p.Arg581Gln)

Gene: PEX1 (peroxisomal biogenesis factor 1; minus strand). Cytogenetic location: 7q21.2.
Variant type: single nucleotide variant.
Coding change: c.1742G>A on transcript NM_000466.3 (MANE Select); coding-DNA position 1742, G replaced by A.
Protein change: p.Arg581Gln; replaces arginine 581 with glutamine.
Molecular consequence: missense variant.
Genome position (GRCh38, 1-based): chr7:92,507,055, C>T on the plus strand (G>A on the coding strand, the complement: PEX1 is on the minus strand). VCF-style: chr7-92507055-C-T. GRCh37 (hg19) VCF-style: chr7-92136369-C-T.
Other names: c.1118G>A, p.Arg373Gln (NM_001282678.2); c.1742G>A, p.Arg581Gln (NM_001282677.2); short protein forms R373Q, R581Q.
Identifiers: ClinVar variation 1024229 (VCV001024229.14), dbSNP rs370483961, ClinGen allele CA4341312.

ClinVar aggregate classification (germline): Conflicting classifications of pathogenicity. Review status: criteria provided, conflicting classifications (1 of 4 stars). 3 submissions from 3 submitters: Uncertain significance (1); Likely benign (1). 1 of the submissions does not count toward it. Last evaluated 2025-12-28.

Conditions:
Zellweger spectrum disorders (ZS). Also called: Zellweger Spectrum Disorder; Zellweger Spectrum; Zellweger syndrome; Zellweger Spectrum Disorder (ZSD). Identifiers: Orphanet 912, MedGen C0043459, MONDO:0019609.

Allele frequency attached by ClinVar (database versions not stated): ESP Exome Variant Server 0.00008.
gnomAD v4.1: 12 of 1,613,854 alleles (0.00074%); highest among the groups gnomAD compares: South Asian, 0.0033%; no homozygotes.

Submissions (3):

Labcorp Genetics (formerly Invitae), Labcorp
Classification: Likely benign for Zellweger spectrum disorders. Last evaluated: 2025-12-28. Review status: criteria provided, single submitter. Criteria: Invitae Variant Classification Sherloc (09022015). Collection method: clinical testing. Allele origin: germline.

GeneDx
Classification: Uncertain significance. Last evaluated: 2020-12-02. Review status: criteria provided, single submitter. Criteria: GeneDx Variant Classification Process June 2021. Collection method: clinical testing. Allele origin: germline. Affected: yes.
Comment: Not observed at a significant frequency in large population cohorts (Lek et al., 2016); In silico analysis supports that this missense variant does not alter protein structure/function; Has not been previously published as pathogenic or benign to our knowledge

Natera, Inc.
Classification: Uncertain significance for Zellweger syndrome. Last evaluated: 2019-01-09. Review status: no assertion criteria provided. Collection method: clinical testing. Allele origin: germline. Not counted in ClinVar's aggregate classification.